The following is an entry in ClinVar:

ClinVar aggregate classification (germline): Likely benign. Review status: criteria provided, single submitter (1 of 4 stars). 2 submissions from 2 submitters: Likely benign (1). 1 of the submissions does not count toward it. Last evaluated 2026-01-22.

Conditions:
TONSL-related disorder. Also called: TONSL-related condition.

Allele frequency attached by ClinVar (database versions not stated): ExAC 0.00047; ESP Exome Variant Server 0.00087; 1000 Genomes Project 30x 0.00125; gnomAD 0.00137; TOPMed 0.00149; 1000 Genomes Project 0.00160.
gnomAD v4.1: 417 of 1,593,886 alleles (0.026%); highest among the groups gnomAD compares: African/African-American, 0.49%; 2 homozygotes.

Submissions (2):

Labcorp Genetics (formerly Invitae), Labcorp
Classification: Likely benign. Last evaluated: 2026-01-22. Review status: criteria provided, single submitter. Criteria: Invitae Variant Classification Sherloc (09022015). Collection method: clinical testing. Allele origin: germline.

PreventionGenetics, part of Exact Sciences
Classification: Likely benign for TONSL-related condition. Last evaluated: 2023-12-06. Review status: no assertion criteria provided. Collection method: clinical testing. Allele origin: germline. Not counted in ClinVar's aggregate classification.
Comment: This variant is classified as likely benign based on ACMG/AMP sequence variant interpretation guidelines (Richards et al. 2015 PMID: 25741868, with internal and published modifications).

NM_013432.5(TONSL):c.2531G>A (p.Arg844His)

Genes: TONSL (tonsoku like, DNA repair protein; minus strand), TONSL-AS1 (TONSL antisense RNA 1; plus strand). Cytogenetic location: 8q24.3.
Variant type: single nucleotide variant.
Coding change: c.2531G>A on transcript NM_013432.5 (MANE Select); coding-DNA position 2531, G replaced by A.
Protein change: p.Arg844His; replaces arginine 844 with histidine.
Molecular consequence: missense variant.
Genome position (GRCh38, 1-based): chr8:144,435,902, C>T on the plus strand (G>A on the coding strand, the complement: TONSL is on the minus strand). VCF-style: chr8-144435902-C-T. GRCh37 (hg19) VCF-style: chr8-145661285-C-T.
Other names: c.2531G>A (NM_013432.4); short protein forms R844H.
Identifiers: ClinVar variation 2056653 (VCV002056653.6), dbSNP rs200092098, ClinGen allele CA4942796.
Genomic context (GRCh38, chr8:144,435,902, plus strand): 5'-CCAGAGGTACTACTGGGCCTGCGGTTGTCTCCAGTGCCCCGGGGGCGGGGCCGGCGGCTG[C>T]GGGTCAGGGGCATGTCCAGCTCCAGCCAGTCCCCGGCCAGGCACTCCTCCTCCGGGATGA-3'
Protein context (NP_038460.4, residues 834-854): DWLELDMPLT[Arg844His]SRRPRPRGTG